The following is an entry in ClinVar:

NM_024580.6(EFL1):c.3205A>G (p.Thr1069Ala)

Gene: EFL1 (elongation factor like GTPase 1; minus strand). Cytogenetic location: 15q25.2.
Variant type: single nucleotide variant.
Coding change: c.3205A>G on transcript NM_024580.6 (MANE Select); coding-DNA position 3205, A replaced by G.
Protein change: p.Thr1069Ala; replaces threonine 1069 with alanine.
Molecular consequence: missense variant. On other transcripts: non-coding transcript variant (1).
Genome position (GRCh38, 1-based): chr15:82,130,531, T>C on the plus strand (A>G on the coding strand, the complement: EFL1 is on the minus strand). VCF-style: chr15-82130531-T-C. GRCh37 (hg19) VCF-style: chr15-82422872-T-C.
Other names: NM_024580.6(EFL1):c.3205A>G; p.Thr1069Ala; c.3052A>G, p.Thr1018Ala (NM_001040610.3); c.2416A>G, p.Thr806Ala (NM_001322844.2); c.3205A>G, p.Thr1069Ala (NM_001322845.2); short protein forms T1069A, T1018A, T806A.
Identifiers: ClinVar variation 1686817 (VCV001686817.3), dbSNP rs756494164, ClinGen allele CA7697603.

ClinVar aggregate classification (germline): Conflicting classifications of pathogenicity. Review status: criteria provided, conflicting classifications (1 of 4 stars). 3 submissions from 3 submitters: Likely pathogenic (1); Uncertain significance (1). 1 of the submissions does not count toward it. Last evaluated 2026-01-14.

Conditions:
Shwachman-Diamond syndrome 2. Identifiers: MedGen C4693704, MONDO:0044205, OMIM 617941.
Shwachman syndrome. Also called: Shwachman-Diamond Syndrome; PANCREATIC INSUFFICIENCY AND BONE MARROW DYSFUNCTION; SHWACHMAN-BODIAN SYNDROME. Identifiers: Orphanet 811, MedGen C0272170, MONDO:0009833.

Allele frequency attached by ClinVar (database versions not stated): TOPMed 0.00001; ExAC 0.00002; gnomAD 0.00002; gnomAD exomes 0.00003.
gnomAD v4.1: 29 of 1,614,026 alleles (0.0018%); highest among the groups gnomAD compares: East Asian, 0.011%; no homozygotes.

Submissions (3):

Labcorp Genetics (formerly Invitae), Labcorp
Classification: Uncertain significance. Last evaluated: 2026-01-14. Review status: criteria provided, single submitter. Criteria: Invitae Variant Classification Sherloc (09022015). Collection method: clinical testing. Allele origin: germline.
Comment: This sequence change replaces threonine, which is neutral and polar, with alanine, which is neutral and non-polar, at codon 1069 of the EFL1 protein (p.Thr1069Ala). This variant is present in population databases (rs756494164, gnomAD 0.02%). This missense change has been observed in individuals with Shwachman-Diamond syndrome (PMID: 34115847). ClinVar contains an entry for this variant (Variation ID: 1686817). Invitae Evidence Modeling of protein sequence and biophysical properties (such as structural, functional, and spatial information, amino acid conservation, physicochemical variation, residue mobility, and thermodynamic stability) indicates that this missense variant is not expected to disrupt EFL1 protein function with a negative predictive value of 80%. Experimental studies have shown that this missense change affects EFL1 function (PMID: 34115847). In summary, the available evidence is currently insufficient to determine the role of this variant in disease. Therefore, it has been classified as a Variant of Uncertain Significance.

Broad Center for Mendelian Genomics, Broad Institute of MIT and Harvard
Classification: Likely pathogenic for Shwachman syndrome. Last evaluated: 2025-01-08. Review status: criteria provided, single submitter. Criteria: ACMG Guidelines, 2015. Collection method: curation. Allele origin: germline. Inheritance: Autosomal recessive inheritance.
Comment: The p.Thr1069Ala variant in EFL1 has been reported in 3 individuals with Shwachman-Diamond syndrome (PMID: 34115847), with varying degrees of somatic uniparental disomy, and has been identified in 0.011% (5/44894) of East Asian chromosomes by the Genome Aggregation Database (gnomAD; dbSNP rs756494164). Although this variant has been seen in the general population in a heterozygous state, its frequency is low enough to be consistent with a recessive carrier frequency. This variant has also been reported in ClinVar (Variation ID: 1686817) and has been interpreted as pathogenic by OMIM. Of the 3 affected individuals, 1 was a compound heterozygote that carried a likely pathogenic variant in trans, which increases the likelihood that the p.Thr1069Ala variant is pathogenic (PMID: 34115847). In vitro functional studies provides some evidence that the p.Thr1069Ala variant may impact protein function (PMID: 34115847). However, these types of assays may not accurately represent biological function. Animal models in zebrafish and mice have shown this variant causes Shwachman-Diamond syndrome (PMID: 34115847). Computational prediction tools, including splice predictors, and conservation analyses suggest that this variant may not impact the protein, though this information is not predictive enough to rule out pathogenicity. Although additional studies are required to fully establish its clinical significance, this variant is likely pathogenic for autosomal recessive Shwachman-Diamond syndrome despite the moderate evidence for this gene-disease relationship. ACMG/AMP Criteria applied: PS3, PM3, PM2_supporting (Richards 2015).

OMIM
Classification: Pathogenic for SHWACHMAN-DIAMOND SYNDROME 2. Last evaluated: 2022-04-18. Review status: no assertion criteria provided. Collection method: literature only. Allele origin: unknown. Not counted in ClinVar's aggregate classification.

Literature cited by the submitters: PubMed 34115847 (cited by 3 submitters).